The following is an entry in ClinVar:

NM_003470.3(USP7):c.715C>T (p.Arg239Ter)

Gene: USP7 (ubiquitin specific peptidase 7; minus strand). Cytogenetic location: 16p13.2.
Variant type: single nucleotide variant.
Coding change: c.715C>T on transcript NM_003470.3 (MANE Select); coding-DNA position 715, C replaced by T.
Protein change: p.Arg239Ter; replaces arginine 239 with a stop codon.
Molecular consequence: nonsense. On other transcripts: non-coding transcript variant (1).
Genome position (GRCh38, 1-based): chr16:8,919,036, G>A on the plus strand (C>T on the coding strand, the complement: USP7 is on the minus strand). VCF-style: chr16-8919036-G-A. GRCh37 (hg19) VCF-style: chr16-9012893-G-A.
Other names: c.667C>T, p.Arg223Ter (NM_001286457.2); c.418C>T, p.Arg140Ter (NM_001286458.2); c.541C>T, p.Arg181Ter (NM_001321858.2); c.667C>T (NM_001286457.1); short protein forms R239*, R140*, R181*, R223*.
Identifiers: ClinVar variation 801403 (VCV000801403.2), dbSNP rs781247345, ClinGen allele CA394704188.

ClinVar aggregate classification (germline): Pathogenic. Review status: criteria provided, multiple submitters, no conflicts (2 of 4 stars). 2 submissions from 2 submitters: Pathogenic (2). Last evaluated 2022-12-09.

Submissions (2):

GeneDx
Classification: Pathogenic. Last evaluated: 2022-12-09. Review status: criteria provided, single submitter. Criteria: GeneDx Variant Classification Process June 2021. Collection method: clinical testing. Allele origin: germline. Affected: yes.
Comment: Nonsense variant predicted to result in protein truncation or nonsense mediated decay in a gene for which loss of function is a known mechanism of disease; Not observed at significant frequency in large population cohorts (gnomAD); Has not been previously published as pathogenic or benign germline variant to our knowledge; This variant is associated with the following publications: (PMID: 28186126)

Mendelics
Classification: Pathogenic. Last evaluated: 2019-05-28. Review status: criteria provided, single submitter. Criteria: Mendelics Assertion Criteria 2017. Collection method: clinical testing. Allele origin: unknown.